The following is an entry in ClinVar:

NM_004715.5(CTDP1):c.621+6T>C

Gene: CTDP1 (CTD phosphatase subunit 1; plus strand). Cytogenetic location: 18q23.
Variant type: single nucleotide variant.
Coding change: c.621+6T>C on transcript NM_004715.5 (MANE Select); 6 bases into the intron after coding-DNA position 621, T replaced by C.
Molecular consequence: intron variant.
Genome position (GRCh38, 1-based): chr18:79,697,994, T>C. VCF-style: chr18-79697994-T-C. GRCh37 (hg19) VCF-style: chr18-77457994-T-C.
Other names: c.621+6T>C (NM_001318511.2, NM_048368.4); c.264+6T>C (NM_001202504.1).
Identifiers: ClinVar variation 1978279 (VCV001978279.2), dbSNP rs1599218405, ClinGen allele CA2316653075.

ClinVar aggregate classification (germline): Uncertain significance (1 of 4 stars; one submission).

Allele frequency attached by ClinVar (database versions not stated): gnomAD exomes below 0.00001.
gnomAD v4.1: 5 of 1,614,104 alleles (0.00031%); highest among the groups gnomAD compares: African/African-American, 0.004%; no homozygotes.

Submission:

Labcorp Genetics (formerly Invitae), Labcorp
Classification: Uncertain significance. Last evaluated: 2022-08-09. Review status: criteria provided, single submitter. Criteria: Invitae Variant Classification Sherloc (09022015). Collection method: clinical testing. Allele origin: germline.
Comment: This sequence change falls in intron 4 of the CTDP1 gene. It does not directly change the encoded amino acid sequence of the CTDP1 protein. It affects a nucleotide within the consensus splice site. This variant is not present in population databases (gnomAD no frequency). In summary, the available evidence is currently insufficient to determine the role of this variant in disease. Therefore, it has been classified as a Variant of Uncertain Significance. Variants that disrupt the consensus splice site are a relatively common cause of aberrant splicing (PMID: 17576681, 9536098). Algorithms developed to predict the effect of sequence changes on RNA splicing suggest that this variant may disrupt the consensus splice site. This variant has not been reported in the literature in individuals affected with CTDP1-related conditions.

Literature cited by the submitters: PubMed 17576681; PubMed 9536098.